The following is an entry in ClinVar:

NM_004517.4(ILK):c.1214C>T (p.Ala405Val)

Genes: ILK (integrin linked kinase; plus strand), TAF10 (TATA-box binding protein associated factor 10; minus strand). Cytogenetic location: 11p15.4.
Variant type: single nucleotide variant.
Coding change: c.1214C>T on transcript NM_004517.4 (MANE Select); coding-DNA position 1214, C replaced by T.
Protein change: p.Ala405Val; replaces alanine 405 with valine.
Molecular consequence: missense variant. On other transcripts: 3 prime UTR variant (1).
Genome position (GRCh38, 1-based): chr11:6,610,466, C>T. VCF-style: chr11-6610466-C-T. GRCh37 (hg19) VCF-style: chr11-6631697-C-T.
Other names: c.1214C>T, p.Ala405Val (NM_001014794.3, NM_001014795.3); c.1031C>T, p.Ala344Val (NM_001278441.2); c.812C>T, p.Ala271Val (NM_001278442.2); c.*456G>A (NM_006284.4); short protein forms A271V, A344V, A405V.
Identifiers: ClinVar variation 1503272 (VCV001503272.8), dbSNP rs2134575735, ClinGen allele CA379467801.

ClinVar aggregate classification (germline): Uncertain significance (1 of 4 stars; one submission).

Conditions:
Primary familial hypertrophic cardiomyopathy (HCM). Identifiers: Orphanet 99739, MedGen C0949658, MeSH D024741, MONDO:0024573. Inheritance: Various modes of inheritance.

Submission:

Labcorp Genetics (formerly Invitae), Labcorp
Classification: Uncertain significance for Primary familial hypertrophic cardiomyopathy. Last evaluated: 2021-01-25. Review status: criteria provided, single submitter. Criteria: Invitae Variant Classification Sherloc (09022015). Collection method: clinical testing. Allele origin: germline.
Comment: In summary, the available evidence is currently insufficient to determine the role of this variant in disease. Therefore, it has been classified as a Variant of Uncertain Significance. Algorithms developed to predict the effect of sequence changes on RNA splicing suggest that this variant may create or strengthen a splice site, but this prediction has not been confirmed by published transcriptional studies. Algorithms developed to predict the effect of missense changes on protein structure and function are either unavailable or do not agree on the potential impact of this missense change (SIFT: "Deleterious"; PolyPhen-2: "Benign"; Align-GVGD: "Class C0"). This variant has not been reported in the literature in individuals with ILK-related conditions. This variant is not present in population databases (ExAC no frequency). This sequence change replaces alanine with valine at codon 405 of the ILK protein (p.Ala405Val). The alanine residue is highly conserved and there is a small physicochemical difference between alanine and valine.